The following is an entry in ClinVar:

ClinVar aggregate classification (germline): Pathogenic (1 of 4 stars; one submission).

Conditions:
Mitochondrial trifunctional protein deficiency 2 (MTPD2). Identifiers: MedGen C5830374, MONDO:0958185, OMIM 620300.

Submission:

Women's Health and Genetics/Laboratory Corporation of America, LabCorp
Classification: Pathogenic for Mitochondrial trifunctional protein deficiency 2. Last evaluated: 2023-09-29. Review status: criteria provided, single submitter. Criteria: LabCorp Variant Classification Summary - May 2015. Collection method: clinical testing. Allele origin: germline.
Comment: Variant summary: The variant identified by MLPA or other technology involves the deletion of exon 4 in the HADHB gene. A presumed nomenclature of c.(109+1_110-1)_(209+1_210-1)del has been designated for the purposes of this classification. Although exact breakpoints of this deletion are not known, it is expected to result in a frameshift in the HADHB gene, a known mechanism of disease. The variant was absent in 21694 control chromosomes (gnomAD Structural Variants dataset). The variant has been reported in the literature in individual(s) with phenotypes compatible with Mitochondrial Trifunctional Protein Deficiency 2 (e.g. Aradhya_2012, Wang_2012). To our knowledge, no experimental evidence demonstrating an impact on protein function has been reported. No submitters have cited clinical-significance assessments for this variant to ClinVar after 2014. Based on the evidence outlined above, the variant was classified as pathogenic.

Literature cited by the submitters: PubMed 22382802; PubMed 22494545.

NC_000002.11:g.(26477343_26486247)_(26486348_26492820)del

Gene: HADHB (hydroxyacyl-CoA dehydrogenase trifunctional multienzyme complex subunit beta; plus strand). Cytogenetic location: 2p23.3.
Variant type: Deletion.
Identifiers: ClinVar variation 2627356 (VCV002627356.1).